The following is an entry in ClinVar:

NM_001854.4(COL11A1):c.4393G>A (p.Gly1465Arg)

Gene: COL11A1 (collagen type XI alpha 1 chain; minus strand). Cytogenetic location: 1p21.1.
Variant type: single nucleotide variant.
Coding change: c.4393G>A on transcript NM_001854.4 (MANE Select); coding-DNA position 4393, G replaced by A.
Protein change: p.Gly1465Arg; replaces glycine 1465 with arginine.
Molecular consequence: missense variant. On other transcripts: non-coding transcript variant (1).
Genome position (GRCh38, 1-based): chr1:102,889,526, C>T on the plus strand (G>A on the coding strand, the complement: COL11A1 is on the minus strand). VCF-style: chr1-102889526-C-T. GRCh37 (hg19) VCF-style: chr1-103355082-C-T.
Other names: c.4276G>A, p.Gly1426Arg (NM_001190709.2); c.4429G>A, p.Gly1477Arg (NM_080629.3); c.4045G>A, p.Gly1349Arg (NM_080630.4); short protein forms G1426R, G1465R, G1349R, G1477R.
Identifiers: ClinVar variation 3781113 (VCV003781113.1).
Genomic context (GRCh38, chr1:102,889,526, plus strand): 5'-TTGCTCCTGGAGATCCTTGAGTTCCAGGGAGCCCTCGGTCACCTTTTTCCCCTTGTTCTC[C>T]TGGAGGACCAATCAGGCCAATTAAACCAGGATGTCCCTTTGAAAGGCAGAGAAAAAAAAT-3'
Protein context (NP_001845.3, residues 1455-1475): PGLIGLIGPP[Gly1465Arg]EQGEKGDRGL

ClinVar aggregate classification (germline): Uncertain significance (1 of 4 stars; one submission).

Submission:

GeneDx
Classification: Uncertain significance. Last evaluated: 2024-10-18. Review status: criteria provided, single submitter. Criteria: GeneDx Variant Classification Process June 2021. Collection method: clinical testing. Allele origin: germline. Affected: yes.
Comment: Not observed at significant frequency in large population cohorts (gnomAD); In silico analysis supports that this missense variant has a deleterious effect on protein structure/function; Has not been previously published as pathogenic or benign to our knowledge; This variant is associated with the following publications: (PMID: 25240749)